The following is an entry in ClinVar:

ClinVar aggregate classification (germline): Uncertain significance. Review status: criteria provided, multiple submitters, no conflicts (2 of 4 stars). 2 submissions from 2 submitters: Uncertain significance (2). Last evaluated 2024-05-13.

Conditions:
Hereditary breast ovarian cancer syndrome. Also called: Hereditary breast and ovarian cancer syndrome (HBOC); Breast and ovarian cancer; BRCA1- and BRCA2-Associated Hereditary Breast and Ovarian Cancer; Hereditary breast and ovarian cancer syndrome; Hereditary breast and/or ovarian cancer syndrome; Hereditary breast and ovarian cancer. Identifiers: Orphanet 145, MedGen C0677776, MeSH D061325, MONDO:0003582. Disease mechanism: loss of function.

Submissions (2):

Labcorp Genetics (formerly Invitae), Labcorp
Classification: Uncertain significance for Hereditary breast ovarian cancer syndrome. Last evaluated: 2024-05-13. Review status: criteria provided, single submitter. Criteria: Invitae Variant Classification Sherloc (09022015). Collection method: clinical testing. Allele origin: germline.
Comment: This sequence change replaces serine, which is neutral and polar, with asparagine, which is neutral and polar, at codon 217 of the BRCA1 protein (p.Ser217Asn). This variant is not present in population databases (gnomAD no frequency). This variant has not been reported in the literature in individuals affected with BRCA1-related conditions. ClinVar contains an entry for this variant (Variation ID: 1705061). Advanced modeling of protein sequence and biophysical properties (such as structural, functional, and spatial information, amino acid conservation, physicochemical variation, residue mobility, and thermodynamic stability) performed at Invitae indicates that this missense variant is not expected to disrupt BRCA1 protein function with a negative predictive value of 95%. In summary, the available evidence is currently insufficient to determine the role of this variant in disease. Therefore, it has been classified as a Variant of Uncertain Significance.

Women's Health and Genetics/Laboratory Corporation of America, LabCorp
Classification: Uncertain significance. Last evaluated: 2022-08-09. Review status: criteria provided, single submitter. Criteria: LabCorp Variant Classification Summary - May 2015. Collection method: clinical testing. Allele origin: germline.
Comment: Variant summary: BRCA1 c.650G>A (p.Ser217Asn) results in a conservative amino acid change in the encoded protein sequence. Five of five in-silico tools predict a benign effect of the variant on protein function. The variant was absent in 250996 control chromosomes (gnomAD). The available data on variant occurrences in the general population are insufficient to allow any conclusion about variant significance. To our knowledge, no occurrence of c.650G>A in individuals affected with Hereditary Breast And Ovarian Cancer Syndrome and no experimental evidence demonstrating its impact on protein function have been reported. No clinical diagnostic laboratories have submitted clinical-significance assessments for this variant to ClinVar after 2014. Based on the evidence outlined above, the variant was classified as uncertain significance.

NM_007294.4(BRCA1):c.650G>A (p.Ser217Asn)

Gene: BRCA1 (BRCA1 DNA repair associated; minus strand). Cytogenetic location: 17q21.31.
Variant type: single nucleotide variant.
Coding change: c.650G>A on transcript NM_007294.4 (MANE Select); coding-DNA position 650, G replaced by A.
Protein change: p.Ser217Asn; replaces serine 217 with asparagine.
Molecular consequence: missense variant. On other transcripts: non-coding transcript variant (1).
Genome position (GRCh38, 1-based): chr17:43,095,866, C>T on the plus strand (G>A on the coding strand, the complement: BRCA1 is on the minus strand). VCF-style: chr17-43095866-C-T. GRCh37 (hg19) VCF-style: chr17-41247883-C-T.
Other names: c.437G>A, p.Ser146Asn (NM_001407571.1, NM_001407853.1, NM_001407894.1 and 12 more transcripts); c.650G>A, p.Ser217Asn (NM_001407581.1, NM_001407582.1, NM_001407583.1 and 59 more transcripts); c.647G>A, p.Ser216Asn (NM_001407587.1, NM_001407590.1, NM_001407591.1 and 41 more transcripts); c.641G>A, p.Ser214Asn (NM_001407646.1, NM_001407647.1, NM_001408408.1); c.572G>A, p.Ser191Asn (NM_001407653.1, NM_001407654.1, NM_001407655.1 and 9 more transcripts); c.569G>A, p.Ser190Asn (NM_001407659.1, NM_001407660.1, NM_001407661.1 and 3 more transcripts); c.509G>A, p.Ser170Asn (NM_001407692.1, NM_001407694.1, NM_001407695.1 and 43 more transcripts); c.506G>A, p.Ser169Asn (NM_001407740.1, NM_001407741.1, NM_001407742.1 and 26 more transcripts); and 4 more; short protein forms S146N, S147N, S169N, S170N, S172N, S190N, S191N, S214N.
Identifiers: ClinVar variation 1705061 (VCV001705061.3), dbSNP rs774284145, ClinGen allele CA10600802.
Genomic context (GRCh38, chr17:43,095,866, plus strand): 5'-TCTTTTCAGTGCCTGTTAAGTTGGCAAACTTTGCCATTACCCTTTTTTGCAGAATCCAAA[C>T]TGATTTCATCCCTGGTTCCTTGAGGGGTGATTTGTAACAATTCTTGATCTCCCACACTAT-3'
Protein context (NP_009225.1, residues 207-227): ITPQGTRDEI[Ser217Asn]LDSAKKAACE